The following is an entry in ClinVar:

ClinVar aggregate classification (germline): Conflicting classifications of pathogenicity. Review status: criteria provided, conflicting classifications (1 of 4 stars). 3 submissions from 3 submitters: Uncertain significance (2); Likely benign (1). Last evaluated 2025-06-08.

Conditions:
Inborn genetic diseases. Identifiers: MedGen C0950123, MeSH D030342.

gnomAD v4.1: 4 of 1,597,122 alleles (0.00025%); highest among the groups gnomAD compares: South Asian, 0.0045%; no homozygotes.

Submissions (3):

Ambry Genetics
Classification: Uncertain significance for Inborn genetic diseases. Last evaluated: 2025-06-08. Review status: criteria provided, single submitter. Criteria: Ambry Variant Classification Scheme 2023. Collection method: clinical testing. Allele origin: germline.
Comment: The p.R50G variant (also known as c.148C>G), located in coding exon 3 of the RECQL4 gene, results from a C to G substitution at nucleotide position 148. The arginine at codon 50 is replaced by glycine, an amino acid with dissimilar properties. This amino acid position is conserved. In addition, this alteration is predicted to be tolerated by in silico analysis. Based on the available evidence, the clinical significance of this variant remains unclear.

Blueprint Genetics
Classification: Likely benign. Last evaluated: 2023-04-05. Review status: criteria provided, single submitter. Criteria: ACMG Guidelines, 2015. Collection method: clinical testing. Allele origin: germline.

Genetic Services Laboratory, University of Chicago
Classification: Uncertain significance. Last evaluated: 2017-03-08. Review status: criteria provided, single submitter. Criteria: ACMG Guidelines, 2015. Collection method: clinical testing. Allele origin: germline. Affected: no.

NM_004260.4(RECQL4):c.148C>G (p.Arg50Gly)

Genes: RECQL4 (RecQ like helicase 4; minus strand), LOC130001411 (ATAC-STARR-seq lymphoblastoid silent region 19699; plus strand). Cytogenetic location: 8q24.3.
Variant type: single nucleotide variant.
Coding change: c.148C>G on transcript NM_004260.4 (MANE Select); coding-DNA position 148, C replaced by G.
Protein change: p.Arg50Gly; replaces arginine 50 with glycine.
Molecular consequence: missense variant.
Genome position (GRCh38, 1-based): chr8:144,517,479, G>C on the plus strand (C>G on the coding strand, the complement: RECQL4 is on the minus strand). VCF-style: chr8-144517479-G-C. GRCh37 (hg19) VCF-style: chr8-145742863-G-C.
Other names: short protein forms R50G.
Identifiers: ClinVar variation 436519 (VCV000436519.8), dbSNP rs1325079305, ClinGen allele CA372692701.